The following is an entry in ClinVar:

NM_004973.4(JARID2):c.123G>T (p.Lys41Asn)

Gene: JARID2 (jumonji and AT-rich interaction domain containing 2; plus strand). Cytogenetic location: 6p22.3.
Variant type: single nucleotide variant.
Coding change: c.123G>T on transcript NM_004973.4 (MANE Select); coding-DNA position 123, G replaced by T.
Protein change: p.Lys41Asn; replaces lysine 41 with asparagine.
Molecular consequence: missense variant. On other transcripts: 5 prime UTR variant (1).
Genome position (GRCh38, 1-based): chr6:15,374,194, G>T. VCF-style: chr6-15374194-G-T. GRCh37 (hg19) VCF-style: chr6-15374425-G-T.
Other names: c.-394G>T (NM_001267040.1); short protein forms K41N.
Identifiers: ClinVar variation 3359959 (VCV003359959.1).

ClinVar aggregate classification (germline): Uncertain significance (1 of 4 stars; one submission).

Submission:

GeneDx
Classification: Uncertain significance. Last evaluated: 2023-06-14. Review status: criteria provided, single submitter. Criteria: GeneDx Variant Classification Process June 2021. Collection method: clinical testing. Allele origin: germline. Affected: yes.
Comment: Not observed at significant frequency in large population cohorts (gnomAD); In silico analysis supports that this missense variant does not alter protein structure/function; Has not been previously published as pathogenic or benign to our knowledge